The following is an entry in ClinVar:

NM_000465.4(BARD1):c.1982G>C (p.Arg661Thr)

Gene: BARD1 (BRCA1 associated RING domain 1; minus strand). Cytogenetic location: 2q35.
Variant type: single nucleotide variant.
Coding change: c.1982G>C on transcript NM_000465.4 (MANE Select); coding-DNA position 1982, G replaced by C.
Protein change: p.Arg661Thr; replaces arginine 661 with threonine.
Molecular consequence: missense variant. On other transcripts: non-coding transcript variant (3).
Genome position (GRCh38, 1-based): chr2:214,730,430, C>G on the plus strand (G>C on the coding strand, the complement: BARD1 is on the minus strand). VCF-style: chr2-214730430-C-G. GRCh37 (hg19) VCF-style: chr2-215595154-C-G.
Other names: c.1925G>C, p.Arg642Thr (NM_001282543.2); c.629G>C, p.Arg210Thr (NM_001282545.2); c.572G>C, p.Arg191Thr (NM_001282548.2); c.443G>C, p.Arg148Thr (NM_001282549.2); short protein forms R191T, R642T, R661T, R210T, R148T.
Identifiers: ClinVar variation 1477189 (VCV001477189.7), dbSNP rs2105990473, ClinGen allele CA350451120.
Genomic context (GRCh38, chr2:214,730,430, plus strand): 5'-TCATAATAAGAACAATGAAAGTTGTATTAAAAGAAAAATACCAGCTGTTCTCTGTTGAGC[C>G]TGCTTCTGCGTGGACCTTCAGGAATTTCATACTTTTCTTCCTGTTCACATACTTTTCTTC-3'
Protein context (NP_000456.2, residues 651-671): YEIPEGPRRS[Arg661Thr]LNREQLLPKL

ClinVar aggregate classification (germline): Uncertain significance (1 of 4 stars; one submission).

Conditions:
Familial cancer of breast. Also called: hereditary breast carcinoma; BREAST CANCER, FAMILIAL; Hereditary breast cancer. Identifiers: Orphanet 227535, MedGen C0346153, MONDO:0016419, OMIM 114480. Disease mechanism: loss of function.

Submission:

Labcorp Genetics (formerly Invitae), Labcorp
Classification: Uncertain significance for Familial cancer of breast. Last evaluated: 2023-03-18. Review status: criteria provided, single submitter. Criteria: Invitae Variant Classification Sherloc (09022015). Collection method: clinical testing. Allele origin: germline.
Comment: In summary, the available evidence is currently insufficient to determine the role of this variant in disease. Therefore, it has been classified as a Variant of Uncertain Significance. An algorithm developed to predict the effect of missense changes on protein structure and function (PolyPhen-2) suggests that this variant is likely to be disruptive. ClinVar contains an entry for this variant (Variation ID: 1477189). This variant has not been reported in the literature in individuals affected with BARD1-related conditions. This variant is not present in population databases (gnomAD no frequency). This sequence change replaces arginine, which is basic and polar, with threonine, which is neutral and polar, at codon 661 of the BARD1 protein (p.Arg661Thr).